The following is an entry in ClinVar:

ClinVar aggregate classification (germline): Uncertain significance (1 of 4 stars; one submission).

Allele frequency attached by ClinVar (database versions not stated): gnomAD 0.00001.
gnomAD v4.1: 1 of 1,613,952 alleles (0.000062%); highest among the groups gnomAD compares: South Asian, 0.0011%; no homozygotes.

Submission:

Ambry Genetics
Classification: Uncertain significance. Last evaluated: 2023-04-23. Review status: criteria provided, single submitter. Criteria: Ambry Variant Classification Scheme 2023. Collection method: clinical testing. Allele origin: germline.
Comment: The p.S60A variant (also known as c.178T>G), located in coding exon 1 of the PALLD gene, results from a T to G substitution at nucleotide position 178. The serine at codon 60 is replaced by alanine, an amino acid with similar properties. This amino acid position is conserved. In addition, this alteration is predicted to be tolerated by in silico analysis. Since supporting evidence is limited at this time, the clinical significance of this alteration remains unclear.

NM_001166108.2(PALLD):c.178T>G (p.Ser60Ala)

Gene: PALLD (palladin, cytoskeletal associated protein; plus strand). Cytogenetic location: 4q32.3.
Variant type: single nucleotide variant.
Coding change: c.178T>G on transcript NM_001166108.2 (MANE Select); coding-DNA position 178, T replaced by G.
Protein change: p.Ser60Ala; replaces serine 60 with alanine.
Molecular consequence: missense variant.
Genome position (GRCh38, 1-based): chr4:168,511,682, T>G. VCF-style: chr4-168511682-T-G. GRCh37 (hg19) VCF-style: chr4-169432833-T-G.
Other names: c.178T>G, p.Ser60Ala (NM_016081.4); short protein forms S60A.
Identifiers: ClinVar variation 2563400 (VCV002563400.2), dbSNP rs1762543146, ClinGen allele CA358724954.
Genomic context (GRCh38, chr4:168,511,682, plus strand): 5'-AACAAGAGTCTTGACCTGGCCCGGAGAGCCATAGCCGACTCCGAAACAGAAGATTTTGAC[T>G]CGGAAAAGGAGATCTCGCAGATTTTCAGTACTTCTCCTGCAAGCCTCTGTGAACATCCTT-3'
Protein context (NP_001159580.1, residues 50-70): IADSETEDFD[Ser60Ala]EKEISQIFST